The following is an entry in ClinVar:

ClinVar aggregate classification (germline): Uncertain significance (1 of 4 stars; one submission).

Conditions:
Familial thoracic aortic aneurysm and aortic dissection (TAAD). Also called: Thoracic aortic aneurysms and dissections. Identifiers: Orphanet 91387, MedGen C4707243, MONDO:0019625.

Submission:

Ambry Genetics
Classification: Uncertain significance for Familial thoracic aortic aneurysm and aortic dissection. Last evaluated: 2025-03-10. Review status: criteria provided, single submitter. Criteria: Ambry Variant Classification Scheme 2023. Collection method: clinical testing. Allele origin: germline.
Comment: The p.P496L variant (also known as c.1487C>T), located in coding exon 21 of the COL3A1 gene, results from a C to T substitution at nucleotide position 1487. The proline at codon 496 is replaced by leucine, an amino acid with similar properties. This amino acid position is poorly conserved in available vertebrate species. In addition, this alteration is predicted to be tolerated by in silico analysis. Based on the available evidence, the clinical significance of this variant remains unclear.

NM_000090.4(COL3A1):c.1487C>T (p.Pro496Leu)

Gene: COL3A1 (collagen type III alpha 1 chain; plus strand). Cytogenetic location: 2q32.2.
Variant type: single nucleotide variant.
Coding change: c.1487C>T on transcript NM_000090.4 (MANE Select); coding-DNA position 1487, C replaced by T.
Protein change: p.Pro496Leu; replaces proline 496 with leucine.
Molecular consequence: missense variant.
Genome position (GRCh38, 1-based): chr2:188,995,077, C>T. VCF-style: chr2-188995077-C-T. GRCh37 (hg19) VCF-style: chr2-189859803-C-T.
Other names: short protein forms P496L.
Identifiers: ClinVar variation 3835237 (VCV003835237.1).